The following is an entry in ClinVar:

ClinVar aggregate classification (germline): Uncertain significance (1 of 4 stars; one submission).

Allele frequency attached by ClinVar (database versions not stated): gnomAD exomes below 0.00001 and 0.00001; ExAC 0.00001; gnomAD 0.00002 and 0.00003.
gnomAD v4.1: 7 of 1,613,344 alleles (0.00043%); highest among the groups gnomAD compares: Non-Finnish European, 0.00059%; no homozygotes.

Submission:

GeneDx
Classification: Uncertain significance. Last evaluated: 2014-01-23. Review status: criteria provided, single submitter. Criteria: GeneDx Variant Classification (06012015). Collection method: clinical testing. Allele origin: germline. Affected: yes.
Comment: Missense variants in the TTN gene are considered 'unclassified' if they are not previously reported in the literature and do not have >1% frequency in the population to be considered a polymorphism. Research indicates that truncating mutations in the TTN gene are expected to account for approximately 25% of familial and 18% of sporadic idiopathic DCM; however, truncating variants in the TTN gene have been reported in approximately 3% of reported control alleles. There has been little investigation into non-truncating variants. (Herman D et al. Truncations of titin causing dilated cardiomyopathy. N Eng J Med 366:619-628, 2012) The variant is found in DCM-CRDM panel(s).

NM_133379.5(TTN):c.16286T>C (p.Ile5429Thr)

Gene: TTN (titin; minus strand). Cytogenetic location: 2q31.2.
Variant type: single nucleotide variant.
Coding change: c.16286T>C on transcript NM_133379.5; coding-DNA position 16286, T replaced by C.
Protein change: p.Ile5429Thr; replaces isoleucine 5429 with threonine.
Molecular consequence: missense variant. On other transcripts: intron variant (6).
Genome position (GRCh38, 1-based): chr2:178,746,114, A>G on the plus strand (T>C on the coding strand, the complement: TTN is on the minus strand). VCF-style: chr2-178746114-A-G. GRCh37 (hg19) VCF-style: chr2-179610841-A-G.
Other names: p.I5429T:ATT>ACT; c.10223-4193T>C (NM_003319.4); c.10799-4193T>C (NM_133437.4); c.10598-4193T>C (NM_133432.3); c.10360+7010T>C (NM_133378.4); c.10361-4193T>C (NM_001256850.1); c.11312-4193T>C (NM_001267550.2); short protein forms I5429T.
Identifiers: ClinVar variation 203215 (VCV000203215.2), dbSNP rs753909665, ClinGen allele CA311704.